The following is an entry in ClinVar:

ClinVar aggregate classification (germline): Likely benign. Review status: criteria provided, single submitter (1 of 4 stars). 2 submissions from 2 submitters: Likely benign (1). 1 of the submissions does not count toward it. Last evaluated 2026-01-27.

Conditions:
Primary ciliary dyskinesia. Also called: Ciliary dyskinesia. Identifiers: Orphanet 244, MedGen C0008780, MONDO:0016575, HP:0012265.
DNAH11-related disorder. Also called: DNAH11-related condition.

Allele frequency attached by ClinVar (database versions not stated): gnomAD exomes 0.00001; TOPMed 0.00001; gnomAD 0.00002; ExAC 0.00003.

Submissions (2):

Labcorp Genetics (formerly Invitae), Labcorp
Classification: Likely benign for Primary ciliary dyskinesia. Last evaluated: 2026-01-27. Review status: criteria provided, single submitter. Criteria: Invitae Variant Classification Sherloc (09022015). Collection method: clinical testing. Allele origin: germline.

PreventionGenetics, part of Exact Sciences
Classification: Likely benign for DNAH11-related condition. Last evaluated: 2023-10-12. Review status: no assertion criteria provided. Collection method: clinical testing. Allele origin: germline. Not counted in ClinVar's aggregate classification.
Comment: This variant is classified as likely benign based on ACMG/AMP sequence variant interpretation guidelines (Richards et al. 2015 PMID: 25741868, with internal and published modifications).

NM_001277115.2(DNAH11):c.8511-5C>T

Gene: DNAH11 (dynein axonemal heavy chain 11; plus strand). Cytogenetic location: 7p15.3.
Variant type: single nucleotide variant.
Coding change: c.8511-5C>T on transcript NM_001277115.2 (MANE Select); 5 bases into the intron before coding-DNA position 8511, C replaced by T.
Molecular consequence: intron variant.
Genome position (GRCh38, 1-based): chr7:21,748,575, C>T. VCF-style: chr7-21748575-C-T. GRCh37 (hg19) VCF-style: chr7-21788193-C-T.
Other names: c.8511-5C>T (NM_001277115.1).
Identifiers: ClinVar variation 2960782 (VCV002960782.5), dbSNP rs745938633, ClinGen allele CA4181633.